The following is an entry in ClinVar:

NM_001042492.3(NF1):c.2747A>G (p.Asn916Ser)

Gene: NF1 (neurofibromin 1; plus strand). Cytogenetic location: 17q11.2.
Variant type: single nucleotide variant.
Coding change: c.2747A>G on transcript NM_001042492.3 (MANE Select); coding-DNA position 2747, A replaced by G.
Protein change: p.Asn916Ser; replaces asparagine 916 with serine.
Molecular consequence: missense variant.
Genome position (GRCh38, 1-based): chr17:31,229,362, A>G. VCF-style: chr17-31229362-A-G. GRCh37 (hg19) VCF-style: chr17-29556380-A-G.
Other names: c.2747A>G, p.Asn916Ser (NM_000267.4); short protein forms N916S.
Identifiers: ClinVar variation 229977 (VCV000229977.21), dbSNP rs765043916, ClinGen allele CA8486022.

ClinVar aggregate classification (germline): Conflicting classifications of pathogenicity. Review status: criteria provided, conflicting classifications (1 of 4 stars). 9 submissions from 8 submitters: Uncertain significance (7); Likely benign (2). Last evaluated 2026-01-24.

Conditions:
Cardiovascular phenotype. Identifiers: MedGen CN230736.
Hereditary cancer-predisposing syndrome. Also called: Hereditary Cancer Syndrome; Neoplastic Syndromes, Hereditary; Tumor predisposition; Hereditary neoplastic syndrome. Identifiers: Orphanet 140162, MedGen C0027672, MeSH D009386, MONDO:0015356.
Neurofibromatosis, type 1 (NF1). Also called: Neurofibromatosis, type I; VON RECKLINGHAUSEN DISEASE; NEUROFIBROMATOSIS, TYPE I, SOMATIC; Peripheral type neurofibromatosis. Identifiers: Orphanet 636, MedGen C0027831, MONDO:0018975, OMIM 162200. Disease mechanism: loss of function.
Acute monoblastic leukemia. Identifiers: MedGen C0457334.
Acute monocytic leukemia. Identifiers: Orphanet 514, MedGen C0023465, MONDO:0007896, OMIM 151380, HP:0004845.

Allele frequency attached by ClinVar (database versions not stated): ExAC 0.00002; gnomAD exomes 0.00002 and 0.00006; gnomAD 0.00003; TOPMed 0.00003.
gnomAD v4.1: 92 of 1,613,808 alleles (0.0057%); highest among the groups gnomAD compares: Non-Finnish European, 0.0075%; no homozygotes.

Submissions (9):

Labcorp Genetics (formerly Invitae), Labcorp
Classification: Likely benign for Neurofibromatosis, type 1. Last evaluated: 2026-01-24. Review status: criteria provided, single submitter. Criteria: Invitae Variant Classification Sherloc (09022015). Collection method: clinical testing. Allele origin: germline.

Ambry Genetics
Classification: Likely benign for Cardiovascular phenotype; Hereditary cancer-predisposing syndrome. Last evaluated: 2023-06-16. Review status: criteria provided, single submitter. Criteria: Ambry Variant Classification Scheme 2023. Collection method: clinical testing. Allele origin: germline.

GeneDx
Classification: Uncertain significance. Last evaluated: 2023-02-21. Review status: criteria provided, single submitter. Criteria: GeneDx Variant Classification Process June 2021. Collection method: clinical testing. Allele origin: germline. Affected: yes.
Comment: In silico analysis supports that this missense variant does not alter protein structure/function; Observed in an infant with less than 5 cafe-au-lait macules and a CNS glioma, and was also observed to segregate with cafe-au-lait macules in three affected family members in another kindred (Koczkowska et al., 2018); Observed in both cases and controls in a breast cancer case-control study (Dorling et al., 2021); This variant is associated with the following publications: (PMID: 24030381, 25486365, 2121369, 33471991, 29290338)

Genome-Nilou Lab
Classification: Uncertain significance for Neurofibromatosis, type 1. Last evaluated: 2022-03-15. Review status: criteria provided, single submitter. Criteria: ACMG Guidelines, 2015. Collection method: clinical testing. Allele origin: germline. Affected: no.

Sema4
Classification: Uncertain significance for Hereditary cancer-predisposing syndrome. Last evaluated: 2022-02-18. Review status: criteria provided, single submitter. Criteria: Sema4 Curation Guidelines. Collection method: curation. Allele origin: germline.
Comment: The NF1 c.2747A>G (p.N916S) variant has been reported in 2 individuals with neurofibromatosis (PMID: 29290338). It has also been reported in a large case-control study of breast cancer in 2/60466 cases and 2/53461 controls (PMID: 33471991). This variant was observed in 6/113428 chromosomes in the Non-Finnish European population according to the Genome Aggregation Database (PMID: 32461654). This variant has been reported in ClinVar (Variation ID: 229977). Functional studies have not been performed, and in silico predictions of the variant's effect on protein function are inconclusive. The evidence is insufficient to meet ACMG/AMP criteria for classifying the variant as benign or pathogenic. Thus, the clinical significance of this variant is currently uncertain.

Genetic Services Laboratory, University of Chicago
Classification: Uncertain significance. Last evaluated: 2019-08-01. Review status: criteria provided, single submitter. Criteria: ACMG Guidelines, 2015. Collection method: clinical testing. Allele origin: germline. Affected: no.

St. Jude Molecular Pathology, St. Jude Children's Research Hospital
Classification: Uncertain significance for Acute monoblastic leukemia; Acute monocytic leukemia. Last evaluated: 2017-04-03. Review status: criteria provided, single submitter. Criteria: ACMG Guidelines, 2015. Collection method: clinical testing. Allele origin: germline. Affected: yes.

PreventionGenetics, part of Exact Sciences
Classification: Uncertain significance. Last evaluated: 2016-11-09. Review status: criteria provided, single submitter. Criteria: ACMG Guidelines, 2015. Collection method: clinical testing. Allele origin: germline.

Ambry Genetics
Classification: Uncertain significance for Hereditary cancer-predisposing syndrome. Last evaluated: 2015-08-22. Review status: criteria provided, single submitter. Criteria: Ambry Autosomal Dominant and X-Linked criteria (10/2015). Collection method: clinical testing. Allele origin: germline. Observed: 1 variant allele.
Comment: Thep.N916Svariant (also known as c.2747A>G), located in coding exon 21 of theNF1gene, results from an A to G substitution at nucleotide position 2747. The asparagine at codon 916 is replaced by serine, an amino acid with highly similar properties. This variant was not reported in population based cohorts in the following databases: Database of Single Nucleotide Polymorphisms (dbSNP), NHLBI Exome Sequencing Project (ESP), and 1000 Genomes Project. In the ESP, this variant was not observed in 6503 samples (13006 alleles) with coverage at this position. To date, this alteration has been detected with an allele frequency of approximately 0.003% (greater than 110000 alleles tested) in our clinical cohort. This amino acid position is highly conserved in available vertebrate species. In addition, the in silico prediction for this alteration is inconclusive. Since supporting evidence is limited at this time, the clinical significance of p.N916S remains unclear.

Literature cited by the submitters: PubMed 29290338 (cited by Sema4); PubMed 33471991 (cited by Sema4).